The following is an entry in ClinVar:

NM_003072.5(SMARCA4):c.2860-15C>T

Gene: SMARCA4 (SWI/SNF related BAF chromatin remodeling complex subunit ATPase 4; plus strand). Cytogenetic location: 19p13.2.
Variant type: single nucleotide variant.
Coding change: c.2860-15C>T on transcript NM_003072.5 (MANE Select); 15 bases into the intron before coding-DNA position 2860, C replaced by T.
Molecular consequence: intron variant.
Genome position (GRCh38, 1-based): chr19:11,023,503, C>T. VCF-style: chr19-11023503-C-T. GRCh37 (hg19) VCF-style: chr19-11134179-C-T.
Other names: c.2860-15C>T (NM_001128844.3, NM_001128849.3, NM_001128847.4 and 6 more transcripts).
Identifiers: ClinVar variation 2738754 (VCV002738754.4), dbSNP rs1163391394, ClinGen allele CA631760296.

ClinVar aggregate classification (germline): Likely benign. Review status: criteria provided, multiple submitters, no conflicts (2 of 4 stars). 2 submissions from 2 submitters: Likely benign (2). Last evaluated 2026-07-07.

Conditions:
Rhabdoid tumor predisposition syndrome 2 (RTPS2). Identifiers: Orphanet 231108, Orphanet 69077, MedGen C2750074, MONDO:0013224, OMIM 613325.

Allele frequency attached by ClinVar (database versions not stated): gnomAD exomes below 0.00001.
gnomAD v4.1: 1 of 1,550,178 alleles (0.000065%); highest among the groups gnomAD compares: South Asian, 0.0011%; no homozygotes.

Submissions (2):

Myriad Genetics, Inc.
Classification: Likely benign for Rhabdoid tumor predisposition syndrome 2. Last evaluated: 2026-07-07. Review status: criteria provided, single submitter. Criteria: Myriad Autosomal Dominant, Autosomal Recessive and X-Linked Classification Criteria (2023). Collection method: clinical testing. Allele origin: unknown.
Comment: This variant is considered likely benign. This variant is intronic and is not expected to impact mRNA splicing.

Labcorp Genetics (formerly Invitae), Labcorp
Classification: Likely benign for Rhabdoid tumor predisposition syndrome 2. Last evaluated: 2024-11-21. Review status: criteria provided, single submitter. Criteria: Invitae Variant Classification Sherloc (09022015). Collection method: clinical testing. Allele origin: germline.